The following is an entry in ClinVar:

NM_000038.6(APC):c.5123T>C (p.Val1708Ala)

Gene: APC (APC regulator of Wnt signaling pathway; plus strand). Cytogenetic location: 5q22.2.
Variant type: single nucleotide variant.
Coding change: c.5123T>C on transcript NM_000038.6 (MANE Select); coding-DNA position 5123, T replaced by C.
Protein change: p.Val1708Ala; replaces valine 1708 with alanine.
Molecular consequence: missense variant.
Genome position (GRCh38, 1-based): chr5:112,840,717, T>C. VCF-style: chr5-112840717-T-C. GRCh37 (hg19) VCF-style: chr5-112176414-T-C.
Other names: c.5123T>C, p.Val1708Ala (NM_001127510.3, NM_001354895.2, NM_001407450.1); c.5069T>C, p.Val1690Ala (NM_001127511.3); c.5177T>C, p.Val1726Ala (NM_001354896.2, NM_001407447.1, NM_001407448.1 and 1 more transcripts); c.5153T>C, p.Val1718Ala (NM_001354897.2); c.5048T>C, p.Val1683Ala (NM_001354898.2); c.5039T>C, p.Val1680Ala (NM_001354899.2); c.5000T>C, p.Val1667Ala (NM_001354900.2); c.4946T>C, p.Val1649Ala (NM_001354901.2, NM_001407453.1); and 11 more; short protein forms V1324A, V1425A, V1548A, V1579A, V1582A, V1607A, V1617A, V1625A.
Identifiers: ClinVar variation 1719410 (VCV001719410.6), dbSNP rs1765852253, ClinGen allele CA16032528.
Genomic context (GRCh38, chr5:112,840,717, plus strand): 5'-ATACCATTCCTACAGAAGGCAGAAGTACAGATGAGGCTCAAGGAGGAAAAACCTCATCTG[T>C]AACCATACCTGAATTGGATGACAATAAAGCAGAGGAAGGTGATATTCTTGCAGAATGCAT-3'
Protein context (NP_000029.2, residues 1698-1718): DEAQGGKTSS[Val1708Ala]TIPELDDNKA

ClinVar aggregate classification (germline): Uncertain significance (1 of 4 stars; one submission).

Conditions:
Familial adenomatous polyposis 1 (FAP1). Also called: FAMILIAL ADENOMATOUS POLYPOSIS 1, ATTENUATED; POLYPOSIS, ADENOMATOUS INTESTINAL. Identifiers: MedGen C2713442, MONDO:0021056, OMIM 175100. Disease mechanism: loss of function.

Submission:

Labcorp Genetics (formerly Invitae), Labcorp
Classification: Uncertain significance for Familial adenomatous polyposis 1. Last evaluated: 2022-09-14. Review status: criteria provided, single submitter. Criteria: Invitae Variant Classification Sherloc (09022015). Collection method: clinical testing. Allele origin: germline.
Comment: This sequence change replaces valine, which is neutral and non-polar, with alanine, which is neutral and non-polar, at codon 1708 of the APC protein (p.Val1708Ala). This variant is not present in population databases (gnomAD no frequency). This variant has not been reported in the literature in individuals affected with APC-related conditions. Advanced modeling of protein sequence and biophysical properties (such as structural, functional, and spatial information, amino acid conservation, physicochemical variation, residue mobility, and thermodynamic stability) performed at Invitae indicates that this missense variant is not expected to disrupt APC protein function. In summary, the available evidence is currently insufficient to determine the role of this variant in disease. Therefore, it has been classified as a Variant of Uncertain Significance.